The following is an entry in ClinVar:

ClinVar aggregate classification (germline): Uncertain significance. Review status: criteria provided, multiple submitters, no conflicts (2 of 4 stars). 2 submissions from 2 submitters: Uncertain significance (2). Last evaluated 2025-08-20.

Allele frequency attached by ClinVar (database versions not stated): ExAC 0.00008; gnomAD 0.00015; ESP Exome Variant Server 0.00016; 1000 Genomes Project 0.00020; TOPMed 0.00024; 1000 Genomes Project 30x 0.00031.
gnomAD v4.1: 49 of 1,613,752 alleles (0.003%); highest among the groups gnomAD compares: African/African-American, 0.057%; no homozygotes.

Submissions (2):

Labcorp Genetics (formerly Invitae), Labcorp
Classification: Uncertain significance. Last evaluated: 2025-08-20. Review status: criteria provided, single submitter. Criteria: Invitae Variant Classification Sherloc (09022015). Collection method: clinical testing. Allele origin: germline.
Comment: This sequence change replaces arginine, which is basic and polar, with leucine, which is neutral and non-polar, at codon 152 of the MYH7B protein (p.Arg152Leu). This variant is present in population databases (rs373482344, gnomAD 0.06%), and has an allele count higher than expected for a pathogenic variant. This variant has not been reported in the literature in individuals affected with MYH7B-related conditions. ClinVar contains an entry for this variant (Variation ID: 1379604). Invitae Evidence Modeling of protein sequence and biophysical properties (such as structural, functional, and spatial information, amino acid conservation, physicochemical variation, residue mobility, and thermodynamic stability) indicates that this missense variant is not expected to disrupt MYH7B protein function with a negative predictive value of 80%. In summary, the available evidence is currently insufficient to determine the role of this variant in disease. Therefore, it has been classified as a Variant of Uncertain Significance.

Ambry Genetics
Classification: Uncertain significance. Last evaluated: 2025-04-18. Review status: criteria provided, single submitter. Criteria: Ambry Variant Classification Scheme 2023. Collection method: clinical testing. Allele origin: germline.

NM_020884.7(MYH7B):c.329G>T (p.Arg110Leu)

Gene: MYH7B (myosin heavy chain 7B; plus strand). Cytogenetic location: 20q11.22.
Variant type: single nucleotide variant.
Coding change: c.329G>T on transcript NM_020884.7 (MANE Select); coding-DNA position 329, G replaced by T.
Protein change: p.Arg110Leu; replaces arginine 110 with leucine.
Molecular consequence: missense variant.
Genome position (GRCh38, 1-based): chr20:34,979,791, G>T. VCF-style: chr20-34979791-G-T. GRCh37 (hg19) VCF-style: chr20-33567594-G-T.
Other names: c.455G>T (NM_020884.3); short protein forms R110L.
Identifiers: ClinVar variation 1379604 (VCV001379604.7), dbSNP rs373482344, ClinGen allele CA9826392.